The following is an entry in ClinVar:

NM_001377540.1(SLMAP):c.1657A>C (p.Asn553His)

Gene: SLMAP (sarcolemma associated protein; plus strand). Cytogenetic location: 3p14.3.
Variant type: single nucleotide variant.
Coding change: c.1657A>C on transcript NM_001377540.1 (MANE Select); coding-DNA position 1657, A replaced by C.
Protein change: p.Asn553His; replaces asparagine 553 with histidine.
Molecular consequence: missense variant. On other transcripts: non-coding transcript variant (1), intron variant (1).
Genome position (GRCh38, 1-based): chr3:57,909,108, A>C. VCF-style: chr3-57909108-A-C. GRCh37 (hg19) VCF-style: chr3-57894835-A-C.
Other names: c.1606A>C, p.Asn536His (NM_001304420.3, NM_001377541.1, NM_001377542.1); c.1492A>C, p.Asn498His (NM_001304421.2, NM_001377557.1, NM_001377559.1); c.208A>C, p.Asn70His (NM_001304422.3, NM_001311178.2); c.85A>C, p.Asn29His (NM_001311179.2, NM_001377926.1, NM_001377927.1 and 1 more transcripts); c.1678A>C, p.Asn560His (NM_001377538.1); c.1657A>C, p.Asn553His (NM_001377539.1); c.1594A>C, p.Asn532His (NM_001377545.1); c.1555A>C, p.Asn519His (NM_001377549.1, NM_007159.5); and 8 more; short protein forms N474H, N498H, N536H, N553H, N457H, N491H, N512H, N515H.
Identifiers: ClinVar variation 3445699 (VCV003445699.1).

ClinVar aggregate classification (germline): Uncertain significance (1 of 4 stars; one submission).

gnomAD v4.1: 1 of 1,612,210 alleles (0.000062%); highest among the groups gnomAD compares: African/African-American, 0.0013%; no homozygotes.

Submission:

Ambry Genetics
Classification: Uncertain significance. Last evaluated: 2024-08-11. Review status: criteria provided, single submitter. Criteria: Ambry Variant Classification Scheme 2023. Collection method: clinical testing. Allele origin: germline.
Comment: The p.N519H variant (also known as c.1555A>C), located in coding exon 16 of the SLMAP gene, results from an A to C substitution at nucleotide position 1555. The asparagine at codon 519 is replaced by histidine, an amino acid with similar properties. This amino acid position is conserved. In addition, this alteration is predicted to be tolerated by in silico analysis. Based on the available evidence, the clinical significance of this variant remains unclear.